The following is an entry in ClinVar:

ClinVar aggregate classification (germline): Likely benign. Review status: criteria provided, single submitter (1 of 4 stars). 2 submissions from 2 submitters: Likely benign (1). 1 of the submissions does not count toward it. Last evaluated 2025-10-02.

Conditions:
Amyotrophic lateral sclerosis type 1 (ALS1). Also called: AMYOTROPHIC LATERAL SCLEROSIS 1, FAMILIAL. Identifiers: Orphanet 803, MedGen C1862939, MONDO:0007103, OMIM 105400.
Neuronopathy, distal hereditary motor, type 7B. Also called: HMN VIIB; LOWER MOTOR NEURON DISEASE, DYNACTIN TYPE; NEURONOPATHY, DISTAL HEREDITARY MOTOR, AUTOSOMAL DOMINANT 14; NEURONOPATHY, DISTAL HEREDITARY MOTOR, HARDING TYPE VIIB; NEUROPATHY, DISTAL HEREDITARY MOTOR, HARDING TYPE VIIB; NEUROPATHY, DISTAL HEREDITARY MOTOR, WITH VOCAL CORD PARALYSIS, HARDING TYPE VIIB. Identifiers: Orphanet 139589, MedGen C1843315, MONDO:0011879, OMIM 607641.
Perry syndrome. Also called: PARKINSONISM WITH ALVEOLAR HYPOVENTILATION AND MENTAL DEPRESSION. Identifiers: Orphanet 178509, MedGen C1868594, MONDO:0008201, OMIM 168605.
DCTN1-related disorder. Also called: DCTN1-related condition.

Allele frequency attached by ClinVar (database versions not stated): TOPMed below 0.00001; gnomAD 0.00001; gnomAD exomes 0.00001; ExAC 0.00002.

Submissions (2):

Labcorp Genetics (formerly Invitae), Labcorp
Classification: Likely benign for Amyotrophic lateral sclerosis type 1; Neuronopathy, distal hereditary motor, type 7B; Perry syndrome. Last evaluated: 2025-10-02. Review status: criteria provided, single submitter. Criteria: Invitae Variant Classification Sherloc (09022015). Collection method: clinical testing. Allele origin: germline.

PreventionGenetics, part of Exact Sciences
Classification: Likely benign for DCTN1-related condition. Last evaluated: 2022-12-22. Review status: no assertion criteria provided. Collection method: clinical testing. Allele origin: germline. Not counted in ClinVar's aggregate classification.
Comment: This variant is classified as likely benign based on ACMG/AMP sequence variant interpretation guidelines (Richards et al. 2015 PMID: 25741868, with internal and published modifications).

NM_004082.5(DCTN1):c.2142T>C (p.Thr714=)

Gene: DCTN1 (dynactin subunit 1; minus strand). Cytogenetic location: 2p13.1.
Variant type: single nucleotide variant.
Coding change: c.2142T>C on transcript NM_004082.5 (MANE Select); coding-DNA position 2142, T replaced by C.
Protein change: p.Thr714=; no amino-acid change (threonine 714 retained).
Molecular consequence: synonymous variant. On other transcripts: non-coding transcript variant (1).
Genome position (GRCh38, 1-based): chr2:74,367,738, A>G on the plus strand (T>C on the coding strand, the complement: DCTN1 is on the minus strand). VCF-style: chr2-74367738-A-G. GRCh37 (hg19) VCF-style: chr2-74594865-A-G.
Other names: c.2082T>C, p.Thr694= (NM_001135040.3); c.1740T>C, p.Thr580= (NM_001135041.3, NM_023019.4); c.2031T>C, p.Thr677= (NM_001190836.2); c.2121T>C, p.Thr707= (NM_001190837.2); c.2091T>C, p.Thr697= (NM_001378991.1); c.2073T>C, p.Thr691= (NM_001378992.1).
Identifiers: ClinVar variation 2944995 (VCV002944995.5), dbSNP rs760243949, ClinGen allele CA1721949.